The following is an entry in ClinVar:

NM_001197104.2(KMT2A):c.7438C>G (p.Arg2480Gly)

Gene: KMT2A (lysine methyltransferase 2A; plus strand). Cytogenetic location: 11q23.3.
Variant type: single nucleotide variant.
Coding change: c.7438C>G on transcript NM_001197104.2 (MANE Select); coding-DNA position 7438, C replaced by G.
Protein change: p.Arg2480Gly; replaces arginine 2480 with glycine.
Molecular consequence: missense variant.
Genome position (GRCh38, 1-based): chr11:118,503,330, C>G. VCF-style: chr11-118503330-C-G. GRCh37 (hg19) VCF-style: chr11-118374045-C-G.
Other names: c.7528C>G, p.Arg2510Gly (NM_001412597.1); c.7429C>G, p.Arg2477Gly (NM_005933.4); short protein forms R2477G, R2480G, R2510G.
Identifiers: ClinVar variation 4769299 (VCV004769299.1).
Genomic context (GRCh38, chr11:118,503,330, plus strand): 5'-GAAGGAAACTTGAAGCCAGAGTTTATGGATGAGGTTTTGACTCCTGAGTATATGGGCCAA[C>G]GACCATGTAACAATGTTTCTTCTGATAAGATTGGTGATAAAGGCCTTTCTATGCCAGGAG-3'
Protein context (NP_001184033.1, residues 2470-2490): EVLTPEYMGQ[Arg2480Gly]PCNNVSSDKI

ClinVar aggregate classification (germline): Uncertain significance (1 of 4 stars; one submission).

gnomAD v4.1: 2 of 1,613,986 alleles (0.00012%); highest among the groups gnomAD compares: African/African-American, 0.0027%; no homozygotes.

Submission:

Labcorp Genetics (formerly Invitae), Labcorp
Classification: Uncertain significance. Last evaluated: 2025-05-30. Review status: criteria provided, single submitter. Criteria: Invitae Variant Classification Sherloc (09022015). Collection method: clinical testing. Allele origin: germline.
Comment: This sequence change replaces arginine, which is basic and polar, with glycine, which is neutral and non-polar, at codon 2480 of the KMT2A protein (p.Arg2480Gly). This variant is not present in population databases (gnomAD no frequency). This variant has not been reported in the literature in individuals affected with KMT2A-related conditions. Invitae Evidence Modeling of protein sequence and biophysical properties (such as structural, functional, and spatial information, amino acid conservation, physicochemical variation, residue mobility, and thermodynamic stability) indicates that this missense variant is not expected to disrupt KMT2A protein function with a negative predictive value of 95%. In summary, the available evidence is currently insufficient to determine the role of this variant in disease. Therefore, it has been classified as a Variant of Uncertain Significance.